The following is an entry in ClinVar:

ClinVar aggregate classification (germline): Uncertain significance (1 of 4 stars; one submission).

gnomAD v4.1: 1 of 1,588,572 alleles (0.000063%); highest among the groups gnomAD compares: African/African-American, 0.0014%; no homozygotes.

Submission:

Ambry Genetics
Classification: Uncertain significance. Last evaluated: 2024-05-29. Review status: criteria provided, single submitter. Criteria: Ambry Variant Classification Scheme 2023. Collection method: clinical testing. Allele origin: germline.
Comment: The p.W411R variant (also known as c.1231T>C), located in coding exon 8 of the POLQ gene, results from a T to C substitution at nucleotide position 1231. The tryptophan at codon 411 is replaced by arginine, an amino acid with dissimilar properties. This amino acid position is conserved. In addition, the in silico prediction for this alteration is inconclusive. Based on the available evidence, the clinical significance of this variant remains unclear.

NM_199420.4(POLQ):c.1231T>C (p.Trp411Arg)

Gene: POLQ (DNA polymerase theta; minus strand). Cytogenetic location: 3q13.33.
Variant type: single nucleotide variant.
Coding change: c.1231T>C on transcript NM_199420.4 (MANE Select); coding-DNA position 1231, T replaced by C.
Protein change: p.Trp411Arg; replaces tryptophan 411 with arginine.
Molecular consequence: missense variant.
Genome position (GRCh38, 1-based): chr3:121,522,027, A>G on the plus strand (T>C on the coding strand, the complement: POLQ is on the minus strand). VCF-style: chr3-121522027-A-G. GRCh37 (hg19) VCF-style: chr3-121240874-A-G.
Other names: short protein forms W411R.
Identifiers: ClinVar variation 3308704 (VCV003308704.1).